The following is an entry in ClinVar:

NM_003114.5(SPAG1):c.2116-1G>T

Gene: SPAG1 (sperm associated antigen 1; plus strand). Cytogenetic location: 8q22.2.
Variant type: single nucleotide variant.
Coding change: c.2116-1G>T on transcript NM_003114.5 (MANE Select); the canonical splice acceptor site of the intron before coding-DNA position 2116, G replaced by T.
Molecular consequence: splice acceptor variant.
Genome position (GRCh38, 1-based): chr8:100,239,239, G>T. VCF-style: chr8-100239239-G-T. GRCh37 (hg19) VCF-style: chr8-101251467-G-T.
Other names: c.2116-1G>T (NM_001374321.1, NM_172218.3).
Identifiers: ClinVar variation 2065001 (VCV002065001.4), dbSNP rs2489633707, ClinGen allele CA371816947.

ClinVar aggregate classification (germline): Likely pathogenic (1 of 4 stars; one submission).

Conditions:
Primary ciliary dyskinesia 28. Also called: CILIARY DYSKINESIA, PRIMARY, 28, WITH OR WITHOUT SITUS INVERSUS. Identifiers: Orphanet 244, MedGen C3809706, MONDO:0014216, OMIM 615505.

Submission:

Labcorp Genetics (formerly Invitae), Labcorp
Classification: Likely pathogenic for Primary ciliary dyskinesia 28. Last evaluated: 2021-12-29. Review status: criteria provided, single submitter. Criteria: Invitae Variant Classification Sherloc (09022015). Collection method: clinical testing. Allele origin: germline.
Comment: In summary, the currently available evidence indicates that the variant is pathogenic, but additional data are needed to prove that conclusively. Therefore, this variant has been classified as Likely Pathogenic. Algorithms developed to predict the effect of sequence changes on RNA splicing suggest that this variant may disrupt the consensus splice site. This variant has not been reported in the literature in individuals affected with SPAG1-related conditions. This variant is not present in population databases (gnomAD no frequency). This sequence change affects an acceptor splice site in intron 16 of the SPAG1 gene. It is expected to disrupt RNA splicing. Variants that disrupt the donor or acceptor splice site typically lead to a loss of protein function (PMID: 16199547), and loss-of-function variants in SPAG1 are known to be pathogenic (PMID: 24055112).

Literature cited by the submitters: PubMed 16199547; PubMed 24055112.